The following is an entry in ClinVar:

ClinVar aggregate classification (germline): Uncertain significance (1 of 4 stars; one submission).

Allele frequency attached by ClinVar (database versions not stated): TOPMed below 0.00001; gnomAD exomes 0.00001 and 0.00002; ExAC 0.00007.

Submission:

GeneDx
Classification: Uncertain significance. Last evaluated: 2019-06-14. Review status: criteria provided, single submitter. Criteria: GeneDx Variant Classification Process June 2021. Collection method: clinical testing. Allele origin: germline. Affected: yes.
Comment: In silico analysis, which includes protein predictors and evolutionary conservation, supports a deleterious effect; Has not been previously published as pathogenic or benign to our knowledge

NM_012186.3(FOXE3):c.206G>A (p.Arg69His)

Genes: FOXE3 (forkhead box E3; plus strand), LINC01389 (long intergenic non-protein coding RNA 1389; minus strand). Cytogenetic location: 1p33.
Variant type: single nucleotide variant.
Coding change: c.206G>A on transcript NM_012186.3 (MANE Select); coding-DNA position 206, G replaced by A.
Protein change: p.Arg69His; replaces arginine 69 with histidine.
Molecular consequence: missense variant.
Genome position (GRCh38, 1-based): chr1:47,416,521, G>A. VCF-style: chr1-47416521-G-A. GRCh37 (hg19) VCF-style: chr1-47882193-G-A.
Other names: short protein forms R69H.
Identifiers: ClinVar variation 1306247 (VCV001306247.2), dbSNP rs767855430, ClinGen allele CA842913.